The following is an entry in ClinVar:

NM_198576.4(AGRN):c.6008C>G (p.Pro2003Arg)

Gene: AGRN (agrin; plus strand). Cytogenetic location: 1p36.33.
Variant type: single nucleotide variant.
Coding change: c.6008C>G on transcript NM_198576.4 (MANE Select); coding-DNA position 6008, C replaced by G.
Protein change: p.Pro2003Arg; replaces proline 2003 with arginine.
Molecular consequence: missense variant.
Genome position (GRCh38, 1-based): chr1:1,054,851, C>G. VCF-style: chr1-1054851-C-G. GRCh37 (hg19) VCF-style: chr1-990231-C-G.
Other names: c.6077C>G, p.Pro2026Arg (NM_001305275.2); c.5705C>G, p.Pro1902Arg (NM_001364727.2); short protein forms P1902R, P2003R, P2026R.
Identifiers: ClinVar variation 1346700 (VCV001346700.8), dbSNP rs773915738, ClinGen allele CA510314.

ClinVar aggregate classification (germline): Uncertain significance (1 of 4 stars; one submission).

Conditions:
Congenital myasthenic syndrome 8. Also called: Myasthenic syndrome, congenital, 8, with pre- and postsynaptic defects; MYASTHENIC SYNDROME, CONGENITAL, DUE TO AGRIN DEFICIENCY. Identifiers: Orphanet 590, MedGen C3808739, MONDO:0014052, OMIM 615120.

Allele frequency attached by ClinVar (database versions not stated): gnomAD exomes below 0.00001 and 0.00001; ExAC 0.00005.
gnomAD v4.1: 1 of 1,559,924 alleles (0.000064%); highest among the groups gnomAD compares: South Asian, 0.0012%; no homozygotes.

Submission:

Labcorp Genetics (formerly Invitae), Labcorp
Classification: Uncertain significance for Congenital myasthenic syndrome 8. Last evaluated: 2021-01-03. Review status: criteria provided, single submitter. Criteria: Invitae Variant Classification Sherloc (09022015). Collection method: clinical testing. Allele origin: germline.
Comment: In summary, the available evidence is currently insufficient to determine the role of this variant in disease. Therefore, it has been classified as a Variant of Uncertain Significance. Algorithms developed to predict the effect of missense changes on protein structure and function (SIFT, PolyPhen-2, Align-GVGD) all suggest that this variant is likely to be tolerated, but these predictions have not been confirmed by published functional studies and their clinical significance is uncertain. This variant has not been reported in the literature in individuals with AGRN-related conditions. This variant is present in population databases (rs773915738, ExAC 0.01%). This sequence change replaces proline with arginine at codon 2003 of the AGRN protein (p.Pro2003Arg). The proline residue is weakly conserved and there is a moderate physicochemical difference between proline and arginine.